The following is an entry in ClinVar:

NM_015978.3(TNNI3K):c.2008C>A (p.Pro670Thr)

Genes: FPGT-TNNI3K (FPGT-TNNI3K readthrough; plus strand), TNNI3K (TNNI3 interacting kinase; plus strand). Cytogenetic location: 1p31.1.
Variant type: single nucleotide variant.
Coding change: c.2008C>A on transcript NM_015978.3 (MANE Select); coding-DNA position 2008, C replaced by A.
Protein change: p.Pro670Thr; replaces proline 670 with threonine.
Molecular consequence: missense variant.
Genome position (GRCh38, 1-based): chr1:74,439,619, C>A. VCF-style: chr1-74439619-C-A. GRCh37 (hg19) VCF-style: chr1-74905303-C-A.
Other names: c.2311C>A, p.Pro771Thr (NM_001112808.3, NM_001199327.2); short protein forms P670T, P771T.
Identifiers: ClinVar variation 2909712 (VCV002909712.3), dbSNP rs2524734731, ClinGen allele CA340790075.

ClinVar aggregate classification (germline): Uncertain significance (1 of 4 stars; one submission).

Submission:

Labcorp Genetics (formerly Invitae), Labcorp
Classification: Uncertain significance. Last evaluated: 2024-06-05. Review status: criteria provided, single submitter. Criteria: Invitae Variant Classification Sherloc (09022015). Collection method: clinical testing. Allele origin: germline.
Comment: This sequence change replaces proline, which is neutral and non-polar, with threonine, which is neutral and polar, at codon 670 of the TNNI3K protein (p.Pro670Thr). This variant is not present in population databases (gnomAD no frequency). This variant has not been reported in the literature in individuals affected with TNNI3K-related conditions. An algorithm developed to predict the effect of missense changes on protein structure and function (PolyPhen-2) suggests that this variant is likely to be disruptive. In summary, the available evidence is currently insufficient to determine the role of this variant in disease. Therefore, it has been classified as a Variant of Uncertain Significance.